The following is an entry in ClinVar:

ClinVar aggregate classification (germline): Uncertain significance (1 of 4 stars; one submission).

gnomAD v4.1: 8 of 1,608,546 alleles (0.0005%); highest among the groups gnomAD compares: African/African-American, 0.004%; no homozygotes.

Submission:

Labcorp Genetics (formerly Invitae), Labcorp
Classification: Uncertain significance. Last evaluated: 2025-04-07. Review status: criteria provided, single submitter. Criteria: Invitae Variant Classification Sherloc (09022015). Collection method: clinical testing. Allele origin: germline.
Comment: This sequence change replaces glutamic acid, which is acidic and polar, with lysine, which is basic and polar, at codon 196 of the DVL1 protein (p.Glu196Lys). This variant is not present in population databases (gnomAD no frequency). This variant has not been reported in the literature in individuals affected with DVL1-related conditions. Invitae Evidence Modeling of protein sequence and biophysical properties (such as structural, functional, and spatial information, amino acid conservation, physicochemical variation, residue mobility, and thermodynamic stability) indicates that this missense variant is not expected to disrupt DVL1 protein function with a negative predictive value of 80%. In summary, the available evidence is currently insufficient to determine the role of this variant in disease. Therefore, it has been classified as a Variant of Uncertain Significance.

NM_001330311.2(DVL1):c.586G>A (p.Glu196Lys)

Gene: DVL1 (dishevelled segment polarity protein 1; minus strand). Cytogenetic location: 1p36.33.
Variant type: single nucleotide variant.
Coding change: c.586G>A on transcript NM_001330311.2 (MANE Select); coding-DNA position 586, G replaced by A.
Protein change: p.Glu196Lys; replaces glutamic acid 196 with lysine.
Molecular consequence: missense variant.
Genome position (GRCh38, 1-based): chr1:1,341,686, C>T on the plus strand (G>A on the coding strand, the complement: DVL1 is on the minus strand). VCF-style: chr1-1341686-C-T. GRCh37 (hg19) VCF-style: chr1-1277066-C-T.
Other names: c.586G>A, p.Glu196Lys (NM_004421.3); short protein forms E196K.
Identifiers: ClinVar variation 4692618 (VCV004692618.1).
Genomic context (GRCh38, chr1:1,341,686, plus strand): 5'-TGGGCACACAGGCATACACGCCCACAGACACTCCCACACACCTGCTCGTGCTGCCATCCT[C>T]GTCCGAGTCCACAAAGCTGCTGGACTCAAGCTCGCTGCTGAGGGCGGTGGACGCGCTGTC-3'
Protein context (NP_001317240.1, residues 186-206): LESSSFVDSD[Glu196Lys]DGSTSRLSSS